The following is an entry in ClinVar:

NM_000051.4(ATM):c.2858A>C (p.Glu953Ala)

Gene: ATM (ATM serine/threonine kinase; plus strand). Cytogenetic location: 11q22.3.
Variant type: single nucleotide variant.
Coding change: c.2858A>C on transcript NM_000051.4 (MANE Select); coding-DNA position 2858, A replaced by C.
Protein change: p.Glu953Ala; replaces glutamic acid 953 with alanine.
Molecular consequence: missense variant.
Genome position (GRCh38, 1-based): chr11:108,271,083, A>C. VCF-style: chr11-108271083-A-C. GRCh37 (hg19) VCF-style: chr11-108141810-A-C.
Other names: c.2858A>C, p.Glu953Ala (NM_001351834.2); short protein forms E953A.
Identifiers: ClinVar variation 1052069 (VCV001052069.9), dbSNP rs2135547667, ClinGen allele CA382546750.

ClinVar aggregate classification (germline): Uncertain significance (1 of 4 stars; one submission).

Conditions:
Ataxia-telangiectasia syndrome (AT). Also called: ATAXIA-TELANGIECTASIA, FRESNO VARIANT; Ataxia-telangiectasia, complementation group E; ATAXIA-TELANGIECTASIA, COMPLEMENTATION GROUP A; LOUIS-BAR SYNDROME; Ataxia-telangiectasia, complementation group D; AT, COMPLEMENTATION GROUP C. Identifiers: Orphanet 100, MedGen C0004135, MONDO:0008840, OMIM 208900.

Submission:

Labcorp Genetics (formerly Invitae), Labcorp
Classification: Uncertain significance for Ataxia-telangiectasia syndrome. Last evaluated: 2020-08-19. Review status: criteria provided, single submitter. Criteria: Invitae Variant Classification Sherloc (09022015). Collection method: clinical testing. Allele origin: germline.
Comment: In summary, the available evidence is currently insufficient to determine the role of this variant in disease. Therefore, it has been classified as a Variant of Uncertain Significance. Advanced modeling of protein sequence and biophysical properties (such as structural, functional, and spatial information, amino acid conservation, physicochemical variation, residue mobility, and thermodynamic stability) performed at Invitae indicates that this missense variant is not expected to disrupt ATM protein function. This variant has not been reported in the literature in individuals with ATM-related conditions. This variant is not present in population databases (ExAC no frequency). This sequence change replaces glutamic acid with alanine at codon 953 of the ATM protein (p.Glu953Ala). The glutamic acid residue is moderately conserved and there is a moderate physicochemical difference between glutamic acid and alanine.